The following is an entry in ClinVar:

ClinVar aggregate classification (germline): Uncertain significance. Review status: criteria provided, multiple submitters, no conflicts (2 of 4 stars). 3 submissions from 3 submitters: Uncertain significance (3). Last evaluated 2026-08-11.

Conditions:
CACNB2-related disorder. Also called: CACNB2-related condition.
Brugada syndrome 4 (BRGDA4). Identifiers: Orphanet 130, MedGen C2678477, MONDO:0012743, OMIM 611876.
Cardiovascular phenotype. Identifiers: MedGen CN230736.

Allele frequency attached by ClinVar (database versions not stated): gnomAD exomes below 0.00001; gnomAD 0.00001.
gnomAD v4.1: 8 of 1,614,018 alleles (0.0005%); highest among the groups gnomAD compares: African/African-American, 0.0027%; no homozygotes.

Submissions (3):

PreventionGenetics, part of Exact Sciences
Classification: Uncertain significance for CACNB2-related condition. Last evaluated: 2026-08-11. Review status: criteria provided, single submitter. Criteria: ACMG Guidelines, 2015. Collection method: clinical testing. Allele origin: germline.
Comment: The CACNB2 c.542A>C variant is predicted to result in the amino acid substitution p.Glu181Ala. To our knowledge, this variant has not been reported in the literature. This variant is reported in 0.011% of alleles in individuals of African descent in gnomAD. Although we suspect that this variant may be benign, at this time, the clinical significance of this variant is uncertain due to the absence of conclusive functional and genetic evidence.

Labcorp Genetics (formerly Invitae), Labcorp
Classification: Uncertain significance for Brugada syndrome 4. Last evaluated: 2025-12-27. Review status: criteria provided, single submitter. Criteria: Invitae Variant Classification Sherloc (09022015). Collection method: clinical testing. Allele origin: germline.
Comment: This sequence change replaces glutamic acid, which is acidic and polar, with alanine, which is neutral and non-polar, at codon 181 of the CACNB2 protein (p.Glu181Ala). This variant is present in population databases (no rsID available, gnomAD 0.01%). This variant has not been reported in the literature in individuals affected with CACNB2-related conditions. ClinVar contains an entry for this variant (Variation ID: 1747480). An algorithm developed to predict the effect of missense changes on protein structure and function (PolyPhen-2) suggests that this variant is likely to be tolerated. In summary, the available evidence is currently insufficient to determine the role of this variant in disease. Therefore, it has been classified as a Variant of Uncertain Significance.

Ambry Genetics
Classification: Uncertain significance for Cardiovascular phenotype. Last evaluated: 2024-11-08. Review status: criteria provided, single submitter. Criteria: Ambry Variant Classification Scheme 2023. Collection method: clinical testing. Allele origin: germline.

NM_201596.3(CACNB2):c.704A>C (p.Glu235Ala)

Gene: CACNB2 (calcium voltage-gated channel auxiliary subunit beta 2; plus strand). Cytogenetic location: 10p12.31.
Variant type: single nucleotide variant.
Coding change: c.704A>C on transcript NM_201596.3 (MANE Select); coding-DNA position 704, A replaced by C.
Protein change: p.Glu235Ala; replaces glutamic acid 235 with alanine.
Molecular consequence: missense variant. On other transcripts: intron variant (5).
Genome position (GRCh38, 1-based): chr10:18,514,269, A>C. VCF-style: chr10-18514269-A-C. GRCh37 (hg19) VCF-style: chr10-18803198-A-C.
Other names: c.539A>C, p.Glu180Ala (NM_000724.4); c.560A>C, p.Glu187Ala (NM_201570.3); c.620A>C, p.Glu207Ala (NM_201571.4); c.542A>C, p.Glu181Ala (NM_201590.3); c.587-242A>C (NM_001167945.2); c.587-711A>C (NM_201572.4); c.671-242A>C (NM_201593.3); c.671-711A>C (NM_201597.3); and 1 more; short protein forms E207A, E181A, E180A, E187A, E235A.
Identifiers: ClinVar variation 1747480 (VCV001747480.5), dbSNP rs924496092, ClinGen allele CA203227777.